The following is an entry in ClinVar:

NM_000717.5(CA4):c.180G>A (p.Lys60=)

Gene: CA4 (carbonic anhydrase 4; plus strand). Cytogenetic location: 17q23.1.
Variant type: single nucleotide variant.
Coding change: c.180G>A on transcript NM_000717.5 (MANE Select); coding-DNA position 180, G replaced by A.
Protein change: p.Lys60=; no amino-acid change (lysine 60 retained).
Molecular consequence: synonymous variant. On other transcripts: non-coding transcript variant (1).
Genome position (GRCh38, 1-based): chr17:60,156,627, G>A. VCF-style: chr17-60156627-G-A. GRCh37 (hg19) VCF-style: chr17-58233988-G-A.
Identifiers: ClinVar variation 741529 (VCV000741529.13), dbSNP rs111561872, ClinGen allele CA8685258.

ClinVar aggregate classification (germline): Benign/Likely benign. Review status: criteria provided, multiple submitters, no conflicts (2 of 4 stars). 3 submissions from 3 submitters: Benign (1); Likely benign (1). 1 of the submissions does not count toward it. Last evaluated 2026-01-24.

Conditions:
CA4-related disorder. Also called: CA4-related condition.

Allele frequency attached by ClinVar (database versions not stated): gnomAD exomes 0.00013 and 0.00037; ExAC 0.00048; 1000 Genomes Project 0.00140; 1000 Genomes Project 30x 0.00141; TOPMed 0.00144; gnomAD 0.00147 and 0.00163; ESP Exome Variant Server 0.00154.
gnomAD v4.1: 450 of 1,613,880 alleles (0.028%); highest among the groups gnomAD compares: African/African-American, 0.51%; no homozygotes.

Submissions (3):

Labcorp Genetics (formerly Invitae), Labcorp
Classification: Benign. Last evaluated: 2026-01-24. Review status: criteria provided, single submitter. Criteria: Invitae Variant Classification Sherloc (09022015). Collection method: clinical testing. Allele origin: germline.

Blueprint Genetics
Classification: Likely benign. Last evaluated: 2024-11-13. Review status: criteria provided, single submitter. Criteria: ACMG Guidelines, 2015. Collection method: clinical testing. Allele origin: germline.

PreventionGenetics, part of Exact Sciences
Classification: Benign for CA4-related condition. Last evaluated: 2024-07-15. Review status: no assertion criteria provided. Collection method: clinical testing. Allele origin: germline. Not counted in ClinVar's aggregate classification.
Comment: This variant is classified as benign based on ACMG/AMP sequence variant interpretation guidelines (Richards et al. 2015 PMID: 25741868, with internal and published modifications).